The following is an entry in ClinVar:

ClinVar aggregate classification (germline): Benign/Likely benign. Review status: criteria provided, multiple submitters, no conflicts (2 of 4 stars). 7 submissions from 7 submitters: Benign (3); Likely benign (3). 1 of the submissions does not count toward it. Last evaluated 2026-02-04.

Conditions:
Hereditary cancer-predisposing syndrome. Also called: Tumor predisposition; Hereditary neoplastic syndrome; Neoplastic Syndromes, Hereditary; Hereditary Cancer Syndrome. Identifiers: Orphanet 140162, MedGen C0027672, MeSH D009386, MONDO:0015356.
Colorectal cancer, susceptibility to, 12 (CRCS12). Also called: COLORECTAL CANCER, SUSCEPTIBILITY TO, ON CHROMOSOME 12q24. Identifiers: Orphanet 220460, MedGen C3554460, MONDO:0014038, OMIM 615083.

Allele frequency attached by ClinVar (database versions not stated): gnomAD exomes 0.00039 and 0.00101; ExAC 0.00129; 1000 Genomes Project 0.00260; 1000 Genomes Project 30x 0.00281; gnomAD 0.00392 and 0.00423; TOPMed 0.00452; ESP Exome Variant Server 0.00546.
gnomAD v4.1: 1,193 of 1,600,006 alleles (0.075%); highest among the groups gnomAD compares: African/African-American, 1.4%; 8 homozygotes.

Submissions (7):

Labcorp Genetics (formerly Invitae), Labcorp
Classification: Benign. Last evaluated: 2026-02-04. Review status: criteria provided, single submitter. Criteria: Invitae Variant Classification Sherloc (09022015). Collection method: clinical testing. Allele origin: germline.

Center for Genomic Medicine, Rigshospitalet, Copenhagen University Hospital
Classification: Benign. Last evaluated: 2025-12-29. Review status: criteria provided, single submitter. Criteria: ACMG Guidelines, 2015. Collection method: clinical testing. Allele origin: germline.

KCCC/NGS Laboratory, Kuwait Cancer Control Center
Classification: Likely benign for Colorectal cancer, susceptibility to, 12. Last evaluated: 2023-07-07. Review status: criteria provided, single submitter. Criteria: ACMG Guidelines, 2015. Collection method: clinical testing. Allele origin: germline. Affected: yes.

PreventionGenetics, part of Exact Sciences
Classification: Benign. Last evaluated: 2017-12-11. Review status: criteria provided, single submitter. Criteria: ACMG Guidelines, 2015. Collection method: clinical testing. Allele origin: germline.

GeneDx
Classification: Likely benign. Last evaluated: 2017-06-21. Review status: criteria provided, single submitter. Criteria: GeneDx Variant Classification (06012015). Collection method: clinical testing. Allele origin: germline. Affected: yes.
Comment: This variant is considered likely benign or benign based on one or more of the following criteria: it is a conservative change, it occurs at a poorly conserved position in the protein, it is predicted to be benign by multiple in silico algorithms, and/or has population frequency not consistent with disease.

Ambry Genetics
Classification: Likely benign for Hereditary cancer-predisposing syndrome. Last evaluated: 2015-08-07. Review status: criteria provided, single submitter. Criteria: Ambry Variant Classification Scheme 2023. Collection method: clinical testing. Allele origin: germline.

Counsyl
Classification: Likely benign for Colorectal cancer, susceptibility to, 12. Last evaluated: 2016-08-01. Review status: no assertion criteria provided. Collection method: clinical testing. Allele origin: unknown. Not counted in ClinVar's aggregate classification.

NM_006231.4(POLE):c.5811+16T>C

Gene: POLE (DNA polymerase epsilon, catalytic subunit; minus strand). Cytogenetic location: 12q24.33.
Variant type: single nucleotide variant.
Coding change: c.5811+16T>C on transcript NM_006231.4 (MANE Select); 16 bases into the intron after coding-DNA position 5811, T replaced by C.
Molecular consequence: intron variant.
Genome position (GRCh38, 1-based): chr12:132,635,876, A>G on the plus strand (T>C on the coding strand, the complement: POLE is on the minus strand). VCF-style: chr12-132635876-A-G. GRCh37 (hg19) VCF-style: chr12-133212462-A-G.
Identifiers: ClinVar variation 371907 (VCV000371907.15), dbSNP rs115381003, ClinGen allele CA6892389.
Genomic context (GRCh38, chr12:132,635,876, plus strand): 5'-TGAGCACTCAGCACTTGCTGCAGGAATGAACGCGACCCCCAAAGCTGGCTCGGGTGCCAC[A>G]CTGCAGCTCGCTTACCAGTCCACAGTGAATACGAGATGAAACTTTTCCTTTGATTCCGCC-3'